The following is an entry in ClinVar:

ClinVar aggregate classification (germline): Uncertain significance (1 of 4 stars; one submission).

Conditions:
Neuropathy, hereditary sensory, type 1F. Also called: Hereditary sensory neuropathy type IF; HSN IF. Identifiers: Orphanet 36386, MedGen C3810194, MONDO:0014286, OMIM 615632.

Submission:

Labcorp Genetics (formerly Invitae), Labcorp
Classification: Uncertain significance for Neuropathy, hereditary sensory, type 1F. Last evaluated: 2022-09-07. Review status: criteria provided, single submitter. Criteria: Invitae Variant Classification Sherloc (09022015). Collection method: clinical testing. Allele origin: germline.
Comment: In summary, the available evidence is currently insufficient to determine the role of this variant in disease. Therefore, it has been classified as a Variant of Uncertain Significance. Algorithms developed to predict the effect of missense changes on protein structure and function (SIFT, PolyPhen-2, Align-GVGD) all suggest that this variant is likely to be disruptive. ClinVar contains an entry for this variant (Variation ID: 1518024). This variant has not been reported in the literature in individuals affected with ATL3-related conditions. This variant is not present in population databases (gnomAD no frequency). This sequence change replaces proline, which is neutral and non-polar, with arginine, which is basic and polar, at codon 376 of the ATL3 protein (p.Pro376Arg).

NM_015459.5(ATL3):c.1127C>G (p.Pro376Arg)

Genes: ATL3 (atlastin GTPase 3; minus strand), LNCROPM (lncRNA regulator of PLAAT3 mediated phospholipid metabolism; plus strand), LOC126861231 (CDK7 strongly-dependent group 2 enhancer GRCh37_chr11:63398741-63399940; plus strand). Cytogenetic location: 11q13.1.
Variant type: single nucleotide variant.
Coding change: c.1127C>G on transcript NM_015459.5 (MANE Select); coding-DNA position 1127, C replaced by G.
Protein change: p.Pro376Arg; replaces proline 376 with arginine.
Molecular consequence: missense variant.
Genome position (GRCh38, 1-based): chr11:63,631,452, G>C on the plus strand (C>G on the coding strand, the complement: ATL3 is on the minus strand). VCF-style: chr11-63631452-G-C. GRCh37 (hg19) VCF-style: chr11-63398924-G-C.
Other names: c.1073C>G, p.Pro358Arg (NM_001290048.2); short protein forms P358R, P376R.
Identifiers: ClinVar variation 1518024 (VCV001518024.6), dbSNP rs2134462539, ClinGen allele CA381025637.